The following is an entry in ClinVar:

ClinVar aggregate classification (germline): Uncertain significance (1 of 4 stars; one submission).

Conditions:
Hereditary cancer-predisposing syndrome. Also called: Tumor predisposition; Hereditary Cancer Syndrome; Neoplastic Syndromes, Hereditary; Hereditary neoplastic syndrome. Identifiers: Orphanet 140162, MedGen C0027672, MeSH D009386, MONDO:0015356.

Submission:

Ambry Genetics
Classification: Uncertain significance for Hereditary cancer-predisposing syndrome. Last evaluated: 2019-09-11. Review status: criteria provided, single submitter. Criteria: Ambry Variant Classification Scheme 2023. Collection method: clinical testing. Allele origin: germline.
Comment: The p.F322S variant (also known as c.965T>C), located in coding exon 9 of the FANCC gene, results from a T to C substitution at nucleotide position 965. The phenylalanine at codon 322 is replaced by serine, an amino acid with highly dissimilar properties. This amino acid position is well conserved in available vertebrate species. In addition, this alteration is predicted to be deleterious by in silico analysis. Since supporting evidence is limited at this time, the clinical significance of this alteration remains unclear.

NM_000136.3(FANCC):c.965T>C (p.Phe322Ser)

Genes: FANCC (FA complementation group C; minus strand), AOPEP (aminopeptidase O (putative); plus strand). Cytogenetic location: 9q22.32.
Variant type: single nucleotide variant.
Coding change: c.965T>C on transcript NM_000136.3 (MANE Select); coding-DNA position 965, T replaced by C.
Protein change: p.Phe322Ser; replaces phenylalanine 322 with serine.
Molecular consequence: missense variant.
Genome position (GRCh38, 1-based): chr9:95,125,117, A>G on the plus strand (T>C on the coding strand, the complement: FANCC is on the minus strand). VCF-style: chr9-95125117-A-G. GRCh37 (hg19) VCF-style: chr9-97887399-A-G.
Other names: c.965T>C, p.Phe322Ser (NM_001243743.2, NM_001243744.2); short protein forms F322S.
Identifiers: ClinVar variation 823394 (VCV000823394.4), dbSNP rs1588100675, ClinGen allele CA374108839.